The following is an entry in ClinVar:

ClinVar aggregate classification (germline): Uncertain significance (1 of 4 stars; one submission).

Conditions:
RPS6KA3-related disorder. Also called: RPS6KA3-related condition.

gnomAD v4.1: 1 of 1,194,028 alleles (0.000084%); highest among the groups gnomAD compares: Non-Finnish European, 0.00011%; no homozygotes.

Submission:

PreventionGenetics, part of Exact Sciences
Classification: Uncertain significance for RPS6KA3-related condition. Last evaluated: 2024-12-10. Review status: criteria provided, single submitter. Criteria: ACMG Guidelines, 2015. Collection method: clinical testing. Allele origin: germline.
Comment: The RPS6KA3 c.973T>C variant is predicted to result in the amino acid substitution p.Ser325Pro. To our knowledge, this variant has not been reported in the literature or in a large population database (gnomAD), indicating this variant is rare. At this time, the clinical significance of this variant is uncertain due to the absence of conclusive functional and genetic evidence.

NM_004586.3(RPS6KA3):c.973T>C (p.Ser325Pro)

Gene: RPS6KA3 (ribosomal protein S6 kinase A3; minus strand). Cytogenetic location: Xp22.12.
Variant type: single nucleotide variant.
Coding change: c.973T>C on transcript NM_004586.3 (MANE Select); coding-DNA position 973, T replaced by C.
Protein change: p.Ser325Pro; replaces serine 325 with proline.
Molecular consequence: missense variant.
Genome position (GRCh38, 1-based): chrX:20,176,460, A>G on the plus strand (T>C on the coding strand, the complement: RPS6KA3 is on the minus strand). VCF-style: chrX-20176460-A-G. GRCh37 (hg19) VCF-style: chrX-20194578-A-G.
Other names: c.889T>C, p.Ser297Pro (NM_001438340.1); short protein forms S325P, S297P.
Identifiers: ClinVar variation 4999562 (VCV004999562.1).